The following is an entry in ClinVar:

ClinVar aggregate classification (germline): Uncertain significance (1 of 4 stars; one submission).

Conditions:
Neuronal ceroid lipofuscinosis. Also called: Neuronal Ceroid Lipofuscinoses. Identifiers: Orphanet 216, Orphanet 79263, MedGen C0027877, MONDO:0016295. Disease mechanism: loss of function.

Submission:

Labcorp Genetics (formerly Invitae), Labcorp
Classification: Uncertain significance for Neuronal ceroid lipofuscinosis. Last evaluated: 2023-08-24. Review status: criteria provided, single submitter. Criteria: Invitae Variant Classification Sherloc (09022015). Collection method: clinical testing. Allele origin: germline.
Comment: This sequence change replaces alanine, which is neutral and non-polar, with threonine, which is neutral and polar, at codon 296 of the CLN5 protein (p.Ala296Thr). This variant is not present in population databases (gnomAD no frequency). This variant has not been reported in the literature in individuals affected with CLN5-related conditions. Algorithms developed to predict the effect of missense changes on protein structure and function output the following: SIFT: "Not Available"; PolyPhen-2: "Benign"; Align-GVGD: "Not Available". The threonine amino acid residue is found in multiple mammalian species, which suggests that this missense change does not adversely affect protein function. In summary, the available evidence is currently insufficient to determine the role of this variant in disease. Therefore, it has been classified as a Variant of Uncertain Significance.

NM_006493.4(CLN5):c.739G>A (p.Ala247Thr)

Gene: CLN5 (CLN5 lysosomal BMP synthase; plus strand). Cytogenetic location: 13q22.3.
Variant type: single nucleotide variant.
Coding change: c.739G>A on transcript NM_006493.4 (MANE Select); coding-DNA position 739, G replaced by A.
Protein change: p.Ala247Thr; replaces alanine 247 with threonine.
Molecular consequence: missense variant. On other transcripts: 3 prime UTR variant (1).
Genome position (GRCh38, 1-based): chr13:77,000,631, G>A. VCF-style: chr13-77000631-G-A. GRCh37 (hg19) VCF-style: chr13-77574766-G-A.
Other names: c.*188G>A (NM_001366624.2); short protein forms A247T, A296T.
Identifiers: ClinVar variation 2913847 (VCV002913847.3), dbSNP rs2501155685, ClinGen allele CA388312697.